The following is an entry in ClinVar:

NM_002458.3(MUC5B):c.17016C>T (p.Cys5672=)

Gene: MUC5B (mucin 5B, oligomeric mucus/gel-forming; plus strand). Cytogenetic location: 11p15.5.
Variant type: single nucleotide variant.
Coding change: c.17016C>T on transcript NM_002458.3 (MANE Select); coding-DNA position 17016, C replaced by T.
Protein change: p.Cys5672=; no amino-acid change (cysteine 5672 retained).
Molecular consequence: synonymous variant.
Genome position (GRCh38, 1-based): chr11:1,260,675, C>T. VCF-style: chr11-1260675-C-T. GRCh37 (hg19) VCF-style: chr11-1281905-C-T.
Other names: NC_000011.9:g.1281905C>T.
Identifiers: ClinVar variation 197584 (VCV000197584.30), dbSNP rs368986524, ClinGen allele CA245835.

ClinVar aggregate classification (germline): Conflicting classifications of pathogenicity. Review status: criteria provided, conflicting classifications (1 of 4 stars). 2 submissions from 2 submitters: Uncertain significance (1); Likely benign (1). Last evaluated 2022-04-01.

Allele frequency attached by ClinVar (database versions not stated): gnomAD exomes 0.00002 and 0.00005; ExAC 0.00004; gnomAD 0.00004 and 0.00005; TOPMed 0.00004; ESP Exome Variant Server 0.00023.
gnomAD v4.1: 77 of 1,612,470 alleles (0.0048%); highest among the groups gnomAD compares: Non-Finnish European, 0.0054%; no homozygotes.

Submissions (3):

CeGaT Center for Human Genetics Tuebingen
Classification: Likely benign. Last evaluated: 2022-04-01. Review status: criteria provided, single submitter. Criteria: CeGaT Center For Human Genetics Tuebingen Variant Classification Criteria Version 2. Collection method: clinical testing. Allele origin: germline. Affected: yes. Observed: 1 variant allele.
Comment: MUC5B: BP4, BP7

Eurofins Ntd Llc (ga)
Classification: Uncertain significance. Last evaluated: 2015-05-27. Review status: criteria provided, single submitter. Criteria: EGL Classification Definitions 2015. Collection method: clinical testing. Allele origin: germline. Observed: 1 variant allele, 1 heterozygote.

Dr. Peter K. Rogan Lab, Western University
No classification provided (evidence only). Condition: Colon adenocarcinoma. Review status: no classification provided. Collection method: in vitro. Allele origin: not applicable. Functional consequence: retained intron. Not counted in ClinVar's aggregate classification.